The following is an entry in ClinVar:

NM_006231.4(POLE):c.3543G>C (p.Lys1181Asn)

Gene: POLE (DNA polymerase epsilon, catalytic subunit; minus strand). Cytogenetic location: 12q24.33.
Variant type: single nucleotide variant.
Coding change: c.3543G>C on transcript NM_006231.4 (MANE Select); coding-DNA position 3543, G replaced by C.
Protein change: p.Lys1181Asn; replaces lysine 1181 with asparagine.
Molecular consequence: missense variant.
Genome position (GRCh38, 1-based): chr12:132,657,175, C>G on the plus strand (G>C on the coding strand, the complement: POLE is on the minus strand). VCF-style: chr12-132657175-C-G. GRCh37 (hg19) VCF-style: chr12-133233761-C-G.
Other names: short protein forms K1181N.
Identifiers: ClinVar variation 5027071 (VCV005027071.1).
Genomic context (GRCh38, chr12:132,657,175, plus strand): 5'-GCCTTGGGGCCCCACCGTCACCTGTCTCCTGCCCTCCAGGGTGAAGAGCTCACTGATCTT[C>G]TTCTGCTTGTAGACATCATTCTTCTCCAGCAGTTTTTTGTGCAGCCAGTCGGGGTGTTTG-3'
Protein context (NP_006222.2, residues 1171-1191): LLEKNDVYKQ[Lys1181Asn]KISELFTLEG

ClinVar aggregate classification (germline): Uncertain significance (1 of 4 stars; one submission).

Conditions:
Hereditary cancer-predisposing syndrome. Also called: Neoplastic Syndromes, Hereditary; Tumor predisposition; Hereditary neoplastic syndrome; Hereditary Cancer Syndrome. Identifiers: Orphanet 140162, MedGen C0027672, MeSH D009386, MONDO:0015356.

Submission:

Ambry Genetics
Classification: Uncertain significance for Hereditary cancer-predisposing syndrome. Last evaluated: 2026-07-12. Review status: criteria provided, single submitter. Criteria: Ambry Variant Classification Scheme 2023. Collection method: clinical testing. Allele origin: germline.
Comment: The p.K1181N variant (also known as c.3543G>C), located in coding exon 29 of the POLE gene, results from a G to C substitution at nucleotide position 3543. The lysine at codon 1181 is replaced by asparagine, an amino acid with similar properties. This amino acid position is conserved. In addition, this alteration is predicted to be tolerated by in silico analysis. Based on the available evidence, the clinical significance of this variant remains unclear.